The following continues an entry in ClinVar:

NM_000059.4(BRCA2):c.1257del (p.Cys419fs)

Gene: BRCA2. ClinVar aggregate classification (germline): Pathogenic. Pathogenic (1).

Submissions 12 to 15 of 15:

Research Molecular Genetics Laboratory, Women's College Hospital, University of Toronto
Classification: Pathogenic for Hereditary breast ovarian cancer syndrome. Last evaluated: 2014-01-31. Review status: no assertion criteria provided. Collection method: research. Allele origin: germline. Affected: yes. Study: The Canadian Open Genetics Repository (COGR). Not counted in ClinVar's aggregate classification.

Sharing Clinical Reports Project (SCRP)
Classification: Pathogenic for Breast-ovarian cancer, familial 2. Last evaluated: 2009-02-09. Review status: no assertion criteria provided. Collection method: clinical testing. Allele origin: germline. Not counted in ClinVar's aggregate classification.

Breast Cancer Information Core (BIC) (BRCA2)
Classification: Pathogenic for Breast-ovarian cancer, familial 2. Last evaluated: 2002-05-29. Review status: no assertion criteria provided. Collection method: clinical testing. Allele origin: germline. Affected: yes. Observed: 3 variant alleles. Not counted in ClinVar's aggregate classification.

Department of Pathology and Laboratory Medicine, Sinai Health System
Classification: Pathogenic for Malignant tumor of breast. Review status: no assertion criteria provided. Collection method: clinical testing. Allele origin: unknown. Affected: yes. Observed: 1 variant allele. Study: The Canadian Open Genetics Repository (COGR). Not counted in ClinVar's aggregate classification.
Comment: The BRCA2 p.Cys419Trpfs*11 variant was identified in 2 of 2428 proband chromosomes (frequency: 0.0008) from individuals or families with hereditary breast and ovarian cancer (Lubinski 2004, Wong 2015). The variant was also identified in dbSNP (ID: rs80359272) as â€šÃ„ÃºWith Pathogenic alleleâ€šÃ„Ã¹, ClinVar (11 x as pathogenic, reviewed by expert panel), Clinvitae (4x), LOVD 3.0 (4x as pathogenic), UMD-LSDB (as causal), BIC Database (3x as pathogenic), and ARUP Laboratories (as definitely pathogenic). The variant was not identified in COGR, Cosmic, MutDB, or Zhejiang University Database, the 1000 Genomes Project, the NHLBI GO Exome Sequencing Project, the Exome Aggregation Consortium (August 8th 2016), or the Genome Aggregation Database (Feb 27, 2017). The c.1257delT variant is predicted to cause a frameshift, which alters the protein's amino acid sequence beginning at codon 419 and leads to a premature stop codon at position 429. This alteration is then predicted to result in a truncated or absent protein and loss of function. Loss of function variants of the BRCA2 gene are an established mechanism of disease in hereditary breast and ovarian cancer and is the type of variant expected to cause the disorder. In summary, based on the above information this variant meets our laboratoryâ€šÃ„Ã´s criteria to be classified as pathogenic.

Literature cited by the submitters: PubMed 20104584 (cited by Labcorp Genetics (formerly Invitae), Labcorp); PubMed 15131399 (cited by 6 submitters); PubMed 22762150 (cited by 3 submitters); PubMed 25682074 (cited by 6 submitters); PubMed 32438681 (cited by Quest Diagnostics Nichols Institute San Juan Capistrano and Ambry Genetics); PubMed 34657373 (cited by Quest Diagnostics Nichols Institute San Juan Capistrano); PubMed 31263054 (cited by Quest Diagnostics Nichols Institute San Juan Capistrano); PubMed 32885271 (cited by Quest Diagnostics Nichols Institute San Juan Capistrano); PubMed 29446198 (cited by Women's Health and Genetics/Laboratory Corporation of America, LabCorp).